The following is an entry in ClinVar:

ClinVar aggregate classification (germline): Likely benign. Review status: criteria provided, multiple submitters, no conflicts (2 of 4 stars). 3 submissions from 3 submitters: Likely benign (3). Last evaluated 2026-07-08.

Conditions:
Hereditary cancer-predisposing syndrome. Also called: Hereditary neoplastic syndrome; Neoplastic Syndromes, Hereditary; Tumor predisposition; Hereditary Cancer Syndrome. Identifiers: Orphanet 140162, MedGen C0027672, MeSH D009386, MONDO:0015356.
Rhabdoid tumor predisposition syndrome 2 (RTPS2). Identifiers: Orphanet 231108, Orphanet 69077, MedGen C2750074, MONDO:0013224, OMIM 613325.

Allele frequency attached by ClinVar (database versions not stated): gnomAD exomes 0.00001 and below 0.00001; gnomAD 0.00001; TOPMed 0.00001.
gnomAD v4.1: 2 of 1,567,302 alleles (0.00013%); highest among the groups gnomAD compares: African/African-American, 0.0027%; no homozygotes.

Submissions (3):

Myriad Genetics, Inc.
Classification: Likely benign for Rhabdoid tumor predisposition syndrome 2. Last evaluated: 2026-07-08. Review status: criteria provided, single submitter. Criteria: Myriad Autosomal Dominant, Autosomal Recessive and X-Linked Classification Criteria (2023). Collection method: clinical testing. Allele origin: unknown.
Comment: This variant is considered likely benign. This variant is intronic and is not expected to impact mRNA splicing.

Labcorp Genetics (formerly Invitae), Labcorp
Classification: Likely benign for Rhabdoid tumor predisposition syndrome 2. Last evaluated: 2025-08-18. Review status: criteria provided, single submitter. Criteria: Invitae Variant Classification Sherloc (09022015). Collection method: clinical testing. Allele origin: germline.

Ambry Genetics
Classification: Likely benign for Hereditary cancer-predisposing syndrome. Last evaluated: 2023-05-22. Review status: criteria provided, single submitter. Criteria: Ambry Variant Classification Scheme 2023. Collection method: clinical testing. Allele origin: germline.

NM_003072.5(SMARCA4):c.4769-4C>T

Gene: SMARCA4 (SWI/SNF related BAF chromatin remodeling complex subunit ATPase 4; plus strand). Cytogenetic location: 19p13.2.
Variant type: single nucleotide variant.
Coding change: c.4769-4C>T on transcript NM_003072.5 (MANE Select); 4 bases into the intron before coding-DNA position 4769, C replaced by T.
Molecular consequence: intron variant.
Genome position (GRCh38, 1-based): chr19:11,060,041, C>T. VCF-style: chr19-11060041-C-T. GRCh37 (hg19) VCF-style: chr19-11170717-C-T.
Other names: c.4769-4C>T (NM_001128844.3); c.4865-4C>T (NM_001128849.3); c.4670-4C>T (NM_001128847.4, NM_001374457.1); c.4679-4C>T (NM_001128845.2); c.4676-4C>T (NM_001128846.2); c.4667-4C>T (NM_001128848.2).
Identifiers: ClinVar variation 825242 (VCV000825242.13), dbSNP rs1452712657, ClinGen allele CA631770010.